The following is an entry in ClinVar:

ClinVar aggregate classification (germline): Uncertain significance (1 of 4 stars; one submission).

Conditions:
Hereditary cancer-predisposing syndrome. Also called: Neoplastic Syndromes, Hereditary; Tumor predisposition; Hereditary Cancer Syndrome; Hereditary neoplastic syndrome. Identifiers: Orphanet 140162, MedGen C0027672, MeSH D009386, MONDO:0015356.

Submission:

Ambry Genetics
Classification: Uncertain significance for Hereditary cancer-predisposing syndrome. Last evaluated: 2025-03-04. Review status: criteria provided, single submitter. Criteria: Ambry Variant Classification Scheme 2023. Collection method: clinical testing. Allele origin: germline.
Comment: The p.S1341R variant (also known as c.4021A>C), located in coding exon 15 of the APC gene, results from an A to C substitution at nucleotide position 4021. The serine at codon 1341 is replaced by arginine, an amino acid with dissimilar properties. This amino acid position is poorly conserved in available vertebrate species. In addition, in silico predictors for this gene do not accurately predict pathogenicity. Missense alterations in APC are not a common cause of disease (Spier I et al. Genet Med. 2024 Feb;26(2):100992). Based on the available evidence, the clinical significance of this variant remains unclear.

NM_000038.6(APC):c.4021A>C (p.Ser1341Arg)

Gene: APC (APC regulator of Wnt signaling pathway; plus strand). Cytogenetic location: 5q22.2.
Variant type: single nucleotide variant.
Coding change: c.4021A>C on transcript NM_000038.6 (MANE Select); coding-DNA position 4021, A replaced by C.
Protein change: p.Ser1341Arg; replaces serine 1341 with arginine.
Molecular consequence: missense variant.
Genome position (GRCh38, 1-based): chr5:112,839,615, A>C. VCF-style: chr5-112839615-A-C. GRCh37 (hg19) VCF-style: chr5-112175312-A-C.
Other names: c.4021A>C, p.Ser1341Arg (NM_001127510.3, NM_001354895.2, NM_001407450.1); c.3967A>C, p.Ser1323Arg (NM_001127511.3); c.4075A>C, p.Ser1359Arg (NM_001354896.2, NM_001407447.1, NM_001407448.1 and 1 more transcripts); c.4051A>C, p.Ser1351Arg (NM_001354897.2); c.3946A>C, p.Ser1316Arg (NM_001354898.2); c.3937A>C, p.Ser1313Arg (NM_001354899.2); c.3898A>C, p.Ser1300Arg (NM_001354900.2); c.3844A>C, p.Ser1282Arg (NM_001354901.2, NM_001407453.1); and 11 more; short protein forms S1240R, S1300R, S1316R, S1359R, S1323R, S1334R, S1341R, S1058R.
Identifiers: ClinVar variation 1737116 (VCV001737116.3), dbSNP rs1765583281, ClinGen allele CA16030143.